The following is an entry in ClinVar:

NM_000195.5(HPS1):c.1768C>T (p.Arg590Cys)

Gene: HPS1 (HPS1 biogenesis of lysosomal organelles complex 3 subunit 1; minus strand). Cytogenetic location: 10q24.2.
Variant type: single nucleotide variant.
Coding change: c.1768C>T on transcript NM_000195.5 (MANE Select); coding-DNA position 1768, C replaced by T.
Protein change: p.Arg590Cys; replaces arginine 590 with cysteine.
Molecular consequence: missense variant.
Genome position (GRCh38, 1-based): chr10:98,420,134, G>A on the plus strand (C>T on the coding strand, the complement: HPS1 is on the minus strand). VCF-style: chr10-98420134-G-A. GRCh37 (hg19) VCF-style: chr10-100179891-G-A.
Other names: c.1768C>T (NM_000195.3); c.796C>T, p.Arg266Cys (NM_001311345.2, NM_001322487.2, NM_001322489.2); c.1768C>T, p.Arg590Cys (NM_001322476.2, NM_001322477.2); c.1669C>T, p.Arg557Cys (NM_001322478.2, NM_001322479.2); c.1507C>T, p.Arg503Cys (NM_001322480.2, NM_001322481.2); c.1408C>T, p.Arg470Cys (NM_001322482.2); c.1399C>T, p.Arg467Cys (NM_001322483.2, NM_001322484.2); c.1300C>T, p.Arg434Cys (NM_001322485.2); short protein forms R590C, R434C, R470C, R557C, R266C, R467C, R503C.
Identifiers: ClinVar variation 3588716 (VCV003588716.3).

ClinVar aggregate classification (germline): Uncertain significance. Review status: criteria provided, multiple submitters, no conflicts (2 of 4 stars). 3 submissions from 3 submitters: Uncertain significance (3). Last evaluated 2025-11-03.

Conditions:
Inborn genetic diseases. Identifiers: MedGen C0950123, MeSH D030342.
Hermansky-Pudlak syndrome 1 (HPS1). Also called: DELTA STORAGE POOL DISEASE. Identifiers: Orphanet 231500, Orphanet 79430, MedGen C2931875, MONDO:0008748, OMIM 203300.

gnomAD v4.1: 9 of 1,613,550 alleles (0.00056%); highest among the groups gnomAD compares: East Asian, 0.0089%; no homozygotes.

Submissions (3):

Ambry Genetics
Classification: Uncertain significance for Inborn genetic diseases. Last evaluated: 2025-11-03. Review status: criteria provided, single submitter. Criteria: Ambry Variant Classification Scheme 2023. Collection method: clinical testing. Allele origin: germline.

GeneDx
Classification: Uncertain significance. Last evaluated: 2025-07-31. Review status: criteria provided, single submitter. Criteria: GeneDx Variant Classification Process June 2021. Collection method: clinical testing. Allele origin: germline. Affected: yes.
Comment: Not observed at significant frequency in large population cohorts (gnomAD); In silico analysis supports that this missense variant has a deleterious effect on protein structure/function; Has not been previously published as pathogenic or benign to our knowledge

Fulgent Genetics
Classification: Uncertain significance for Hermansky-Pudlak syndrome 1. Last evaluated: 2024-03-16. Review status: criteria provided, single submitter. Criteria: ACMG Guidelines, 2015. Collection method: clinical testing. Allele origin: germline.